The following is an entry in ClinVar:

NM_004859.4(CLTC):c.201A>G (p.Ser67=)

Gene: CLTC (clathrin heavy chain; plus strand). Cytogenetic location: 17q23.1.
Variant type: single nucleotide variant.
Coding change: c.201A>G on transcript NM_004859.4 (MANE Select); coding-DNA position 201, A replaced by G.
Protein change: p.Ser67=; no amino-acid change (serine 67 retained).
Molecular consequence: synonymous variant.
Genome position (GRCh38, 1-based): chr17:59,644,434, A>G. VCF-style: chr17-59644434-A-G. GRCh37 (hg19) VCF-style: chr17-57721795-A-G.
Other names: c.201A>G, p.Ser67= (NM_001288653.2).
Identifiers: ClinVar variation 1411189 (VCV001411189.32), dbSNP rs763699625, ClinGen allele CA8680995.

ClinVar aggregate classification (germline): Likely benign. Review status: criteria provided, multiple submitters, no conflicts (2 of 4 stars). 3 submissions from 3 submitters: Likely benign (3). Last evaluated 2024-08-01.

Allele frequency attached by ClinVar (database versions not stated): gnomAD exomes below 0.00001; TOPMed below 0.00001; ExAC 0.00001.
gnomAD v4.1: 6 of 1,614,200 alleles (0.00037%); highest among the groups gnomAD compares: Non-Finnish European, 0.00051%; no homozygotes.

Submissions (3):

CeGaT Center for Human Genetics Tuebingen
Classification: Likely benign. Last evaluated: 2024-08-01. Review status: criteria provided, single submitter. Criteria: CeGaT Center For Human Genetics Tuebingen Variant Classification Criteria Version 2. Collection method: clinical testing. Allele origin: germline. Affected: yes. Observed: 1 variant allele.
Comment: CLTC: BP4, BP7

Blueprint Genetics
Classification: Likely benign. Last evaluated: 2022-12-21. Review status: criteria provided, single submitter. Criteria: ACMG Guidelines, 2015. Collection method: clinical testing. Allele origin: germline.

Labcorp Genetics (formerly Invitae), Labcorp
Classification: Likely benign. Last evaluated: 2022-10-14. Review status: criteria provided, single submitter. Criteria: Invitae Variant Classification Sherloc (09022015). Collection method: clinical testing. Allele origin: germline.